The following is an entry in ClinVar:

NM_001042472.3(ABHD12):c.951-3C>T

Gene: ABHD12 (abhydrolase domain containing 12, lysophospholipase; minus strand). Cytogenetic location: 20p11.21.
Variant type: single nucleotide variant.
Coding change: c.951-3C>T on transcript NM_001042472.3 (MANE Select); 3 bases into the intron before coding-DNA position 951, C replaced by T.
Molecular consequence: intron variant.
Genome position (GRCh38, 1-based): chr20:25,303,631, G>A on the plus strand (C>T on the coding strand, the complement: ABHD12 is on the minus strand). VCF-style: chr20-25303631-G-A. GRCh37 (hg19) VCF-style: chr20-25284267-G-A.
Other names: c.951-3C>T (NM_015600.5).
Identifiers: ClinVar variation 963863 (VCV000963863.8), dbSNP rs1021782132, ClinGen allele CA313714241.
Genomic context (GRCh38, chr20:25,303,631, plus strand): 5'-CACCACCGGGTCGTCCTCAGCGTGCAGGATGAGCAGGGGACAGGAGATGTGCTTCACGCT[G>A]TAGGAGGGAGAAGGGGCTAGACCAAGACCAGGGAAAGGGCAGAGTTGCCCAGACCCTCTG-3'

ClinVar aggregate classification (germline): Uncertain significance (1 of 4 stars; one submission).

Allele frequency attached by ClinVar (database versions not stated): gnomAD exomes below 0.00001 and 0.00001; gnomAD 0.00002 and 0.00003; TOPMed 0.00002.
gnomAD v4.1: 15 of 1,613,464 alleles (0.00093%); highest among the groups gnomAD compares: African/African-American, 0.0027%; no homozygotes.

Submission:

Labcorp Genetics (formerly Invitae), Labcorp
Classification: Uncertain significance. Last evaluated: 2020-08-31. Review status: criteria provided, single submitter. Criteria: Invitae Variant Classification Sherloc (09022015). Collection method: clinical testing. Allele origin: germline.
Comment: In summary, the available evidence is currently insufficient to determine the role of this variant in disease. Therefore, it has been classified as a Variant of Uncertain Significance. Nucleotide substitutions within the consensus splice site are a relatively common cause of aberrant splicing (PMID: 17576681, 9536098). Algorithms developed to predict the effect of sequence changes on RNA splicing suggest that this variant is not likely to affect RNA splicing, but this prediction has not been confirmed by published transcriptional studies. This variant has not been reported in the literature in individuals with ABHD12-related conditions. This variant is not present in population databases (ExAC no frequency). This sequence change falls in intron 10 of the ABHD12 gene. It does not directly change the encoded amino acid sequence of the ABHD12 protein, but it affects a nucleotide within the consensus splice site of the intron.

Literature cited by the submitters: PubMed 17576681; PubMed 9536098.